The following is an entry in ClinVar:

NM_001104631.2(PDE4D):c.280C>A (p.Arg94Ser)

Gene: PDE4D (phosphodiesterase 4D; minus strand). Cytogenetic location: 5q12.1.
Variant type: single nucleotide variant.
Coding change: c.280C>A on transcript NM_001104631.2 (MANE Select); coding-DNA position 280, C replaced by A.
Protein change: p.Arg94Ser; replaces arginine 94 with serine.
Molecular consequence: missense variant. On other transcripts: intron variant (5).
Genome position (GRCh38, 1-based): chr5:59,893,343, G>T on the plus strand (C>A on the coding strand, the complement: PDE4D is on the minus strand). VCF-style: chr5-59893343-G-T. GRCh37 (hg19) VCF-style: chr5-59189170-G-T.
Other names: c.272+95145C>A (NM_001364599.1, NM_001165899.2, NM_001364600.2); c.-240+95145C>A (NM_001349243.2); c.242+95145C>A (NM_001349241.2); short protein forms R94S.
Identifiers: ClinVar variation 1809843 (VCV001809843.1), dbSNP rs1323581778, ClinGen allele CA359932717.

ClinVar aggregate classification (germline): Uncertain significance (1 of 4 stars; one submission).

Submission:

GeneDx
Classification: Uncertain significance. Last evaluated: 2022-06-28. Review status: criteria provided, single submitter. Criteria: GeneDx Variant Classification Process June 2021. Collection method: clinical testing. Allele origin: germline. Affected: yes.
Comment: Not observed at significant frequency in large population cohorts (gnomAD); In silico analysis supports that this missense variant does not alter protein structure/function; Has not been previously published as pathogenic or benign to our knowledge